The following is an entry in ClinVar:

ClinVar aggregate classification (germline): Likely benign (1 of 4 stars; one submission).

gnomAD v4.1: 26 of 1,613,998 alleles (0.0016%); highest among the groups gnomAD compares: African/African-American, 0.0067%; no homozygotes.

Submission:

CeGaT Center for Human Genetics Tuebingen
Classification: Likely benign. Last evaluated: 2026-05-01. Review status: criteria provided, single submitter. Criteria: CeGaT Center For Human Genetics Tuebingen Variant Classification Criteria Version 2. Collection method: clinical testing. Allele origin: germline. Affected: yes. Observed: 1 variant allele.
Comment: ADGRL1: BP4, BP7

NM_014921.5(ADGRL1):c.774C>T (p.Gly258=)

Genes: ADGRL1 (adhesion G protein-coupled receptor L1; minus strand), ADGRL1-AS1 (ADGRL1 antisense RNA 1; plus strand). Cytogenetic location: 19p13.12.
Variant type: single nucleotide variant.
Coding change: c.774C>T on transcript NM_014921.5 (MANE Select); coding-DNA position 774, C replaced by T.
Protein change: p.Gly258=; no amino-acid change (glycine 258 retained).
Molecular consequence: synonymous variant.
Genome position (GRCh38, 1-based): chr19:14,163,027, G>A on the plus strand (C>T on the coding strand, the complement: ADGRL1 is on the minus strand). VCF-style: chr19-14163027-G-A. GRCh37 (hg19) VCF-style: chr19-14273839-G-A.
Other names: c.789C>T, p.Gly263= (NM_001008701.3).
Identifiers: ClinVar variation 4874205 (VCV004874205.2).